The following is an entry in ClinVar:

ClinVar aggregate classification (germline): Uncertain significance (1 of 4 stars; one submission).

Submission:

Labcorp Genetics (formerly Invitae), Labcorp
Classification: Uncertain significance. Last evaluated: 2024-12-16. Review status: criteria provided, single submitter. Criteria: Invitae Variant Classification Sherloc (09022015). Collection method: clinical testing. Allele origin: germline.
Comment: This sequence change replaces serine, which is neutral and polar, with cysteine, which is neutral and slightly polar, at codon 5 of the PIK3C2A protein (p.Ser5Cys). This variant is not present in population databases (gnomAD no frequency). This variant has not been reported in the literature in individuals affected with PIK3C2A-related conditions. ClinVar contains an entry for this variant (Variation ID: 2112834). An algorithm developed to predict the effect of missense changes on protein structure and function (PolyPhen-2) suggests that this variant is likely to be disruptive. In summary, the available evidence is currently insufficient to determine the role of this variant in disease. Therefore, it has been classified as a Variant of Uncertain Significance.

NM_002645.4(PIK3C2A):c.14C>G (p.Ser5Cys)

Gene: PIK3C2A (phosphatidylinositol-4-phosphate 3-kinase catalytic subunit type 2 alpha; minus strand). Cytogenetic location: 11p15.1.
Variant type: single nucleotide variant.
Coding change: c.14C>G on transcript NM_002645.4 (MANE Select); coding-DNA position 14, C replaced by G.
Protein change: p.Ser5Cys; replaces serine 5 with cysteine.
Molecular consequence: missense variant. On other transcripts: intron variant (1).
Genome position (GRCh38, 1-based): chr11:17,169,728, G>C on the plus strand (C>G on the coding strand, the complement: PIK3C2A is on the minus strand). VCF-style: chr11-17169728-G-C. GRCh37 (hg19) VCF-style: chr11-17191275-G-C.
Other names: c.14C>G, p.Ser5Cys (NM_001321378.2, NM_001386870.1); c.-75-14099C>G (NM_001321380.2); short protein forms S5C.
Identifiers: ClinVar variation 2112834 (VCV002112834.4), dbSNP rs2137490420, ClinGen allele CA379779225.
Genomic context (GRCh38, chr11:17,169,728, plus strand): 5'-TCTTTTGCTCTTGTTGGTTCCGGATGTGAAGATGGACATTCTTTAAATCCGCTGTTGCTA[G>C]ATATCTGAGCCATGTCCACTAAAAAGACCAAACCTTCCTTCCTCTATTTTTTTCTTGTAG-3'
Protein context (NP_002636.2, residues 1-15): MAQI[Ser5Cys]SNSGFKECPS